The following is an entry in ClinVar:

NM_000059.4(BRCA2):c.371T>C (p.Met124Thr)

Gene: BRCA2 (BRCA2 DNA repair associated; plus strand). Cytogenetic location: 13q13.1.
Variant type: single nucleotide variant.
Coding change: c.371T>C on transcript NM_000059.4 (MANE Select); coding-DNA position 371, T replaced by C.
Protein change: p.Met124Thr; replaces methionine 124 with threonine.
Molecular consequence: missense variant.
Genome position (GRCh38, 1-based): chr13:32,325,130, T>C. VCF-style: chr13-32325130-T-C. GRCh37 (hg19) VCF-style: chr13-32899267-T-C.
Other names: short protein forms M124T.
Identifiers: ClinVar variation 462304 (VCV000462304.11), dbSNP rs1450325987, ClinGen allele CA387756633.

ClinVar aggregate classification (germline): Uncertain significance. Review status: criteria provided, multiple submitters, no conflicts (2 of 4 stars). 2 submissions from 2 submitters: Uncertain significance (2). Last evaluated 2022-10-24.

Conditions:
Hereditary breast ovarian cancer syndrome. Also called: Hereditary breast and ovarian cancer syndrome (HBOC); Hereditary breast and ovarian cancer syndrome; Breast and ovarian cancer; Hereditary breast and/or ovarian cancer syndrome; Hereditary breast and ovarian cancer; BRCA1- and BRCA2-Associated Hereditary Breast and Ovarian Cancer. Identifiers: Orphanet 145, MedGen C0677776, MeSH D061325, MONDO:0003582. Disease mechanism: loss of function.
Hereditary cancer-predisposing syndrome. Also called: Neoplastic Syndromes, Hereditary; Hereditary Cancer Syndrome; Hereditary neoplastic syndrome; Tumor predisposition. Identifiers: Orphanet 140162, MedGen C0027672, MeSH D009386, MONDO:0015356.

Allele frequency attached by ClinVar (database versions not stated): gnomAD exomes below 0.00001 and 0.00001.

Submissions (2):

Labcorp Genetics (formerly Invitae), Labcorp
Classification: Uncertain significance for Hereditary breast ovarian cancer syndrome. Last evaluated: 2022-10-24. Review status: criteria provided, single submitter. Criteria: Invitae Variant Classification Sherloc (09022015). Collection method: clinical testing. Allele origin: germline.
Comment: In summary, the available evidence is currently insufficient to determine the role of this variant in disease. Therefore, it has been classified as a Variant of Uncertain Significance. Advanced modeling of protein sequence and biophysical properties (such as structural, functional, and spatial information, amino acid conservation, physicochemical variation, residue mobility, and thermodynamic stability) performed at Invitae indicates that this missense variant is not expected to disrupt BRCA2 protein function. ClinVar contains an entry for this variant (Variation ID: 462304). This missense change has been observed in individual(s) with ovarian cancer (PMID: 29240602). This variant is present in population databases (no rsID available, gnomAD 0.0009%). This sequence change replaces methionine, which is neutral and non-polar, with threonine, which is neutral and polar, at codon 124 of the BRCA2 protein (p.Met124Thr).

Color Diagnostics, LLC DBA Color Health
Classification: Uncertain significance for Hereditary cancer-predisposing syndrome. Last evaluated: 2022-08-22. Review status: criteria provided, single submitter. Criteria: ACMG Guidelines, 2015. Collection method: clinical testing. Allele origin: germline.
Comment: This missense variant replaces methionine with threonine at codon 124 of the BRCA2 protein. Computational prediction suggests that this variant may not impact protein structure and function (internally defined REVEL score threshold <= 0.5, PMID: 27666373). To our knowledge, functional studies have not been reported for this variant. This variant has been reported in at least 1 individual affected with ovarian cancer (PMID: 29240602, 32019284) and in 1 unaffected individual (PMID: 33471991; Leiden Open Variation Database DB-ID BRCA2_001569). This variant has been identified in 1/251190 chromosomes in the general population by the Genome Aggregation Database (gnomAD). The available evidence is insufficient to determine the role of this variant in disease conclusively. Therefore, this variant is classified as a Variant of Uncertain Significance.

Literature cited by the submitters: PubMed 29240602 (cited by Labcorp Genetics (formerly Invitae), Labcorp and Color Diagnostics, LLC DBA Color Health); PubMed 32019284 (cited by Color Diagnostics, LLC DBA Color Health); PubMed 33471991 (cited by Color Diagnostics, LLC DBA Color Health).